The following is an entry in ClinVar:

NM_000548.5(TSC2):c.2364G>T (p.Met788Ile)

Gene: TSC2 (TSC complex subunit 2; plus strand). Cytogenetic location: 16p13.3.
Variant type: single nucleotide variant.
Coding change: c.2364G>T on transcript NM_000548.5 (MANE Select); coding-DNA position 2364, G replaced by T.
Protein change: p.Met788Ile; replaces methionine 788 with isoleucine.
Molecular consequence: missense variant. On other transcripts: non-coding transcript variant (5).
Genome position (GRCh38, 1-based): chr16:2,074,208, G>T. VCF-style: chr16-2074208-G-T. GRCh37 (hg19) VCF-style: chr16-2124209-G-T.
Other names: c.1764G>T, p.Met588Ile (NM_001406680.1, NM_001406682.1, NM_001406687.1 and 6 more transcripts); c.1902G>T, p.Met634Ile (NM_001406681.1); c.2253G>T, p.Met751Ile (NM_001318827.2, NM_001406670.1, NM_001406678.1); c.2217G>T, p.Met739Ile (NM_001318829.2, NM_001406679.1, NM_001406675.1 and 1 more transcripts); c.2397G>T, p.Met799Ile (NM_001318832.2); c.2364G>T, p.Met788Ile (NM_001363528.2, NM_001370404.1, NM_001370405.1 and 6 more transcripts); c.2454G>T, p.Met818Ile (NM_001406667.1, NM_001406668.1); c.2352G>T, p.Met784Ile (NM_001406671.1, NM_001406673.1); and 3 more; short protein forms M340I, M634I, M799I, M818I, M739I, M784I, M788I, M254I.
Identifiers: ClinVar variation 3637203 (VCV003637203.2).

ClinVar aggregate classification (germline): Uncertain significance (1 of 4 stars; one submission).

Conditions:
Tuberous sclerosis 2 (TSC2). Identifiers: Orphanet 805, MedGen C1860707, MONDO:0013199, OMIM 613254.

Submission:

Labcorp Genetics (formerly Invitae), Labcorp
Classification: Uncertain significance for Tuberous sclerosis 2. Last evaluated: 2024-05-29. Review status: criteria provided, single submitter. Criteria: Invitae Variant Classification Sherloc (09022015). Collection method: clinical testing. Allele origin: germline.
Comment: This sequence change replaces methionine, which is neutral and non-polar, with isoleucine, which is neutral and non-polar, at codon 788 of the TSC2 protein (p.Met788Ile). This variant is not present in population databases (gnomAD no frequency). This variant has not been reported in the literature in individuals affected with TSC2-related conditions. Advanced modeling of protein sequence and biophysical properties (such as structural, functional, and spatial information, amino acid conservation, physicochemical variation, residue mobility, and thermodynamic stability) performed at Invitae indicates that this missense variant is not expected to disrupt TSC2 protein function with a negative predictive value of 95%. In summary, the available evidence is currently insufficient to determine the role of this variant in disease. Therefore, it has been classified as a Variant of Uncertain Significance.